The following is an entry in ClinVar:

ClinVar aggregate classification (germline): Uncertain significance (0 of 4 stars; one submission).

Conditions:
CREBBP-related disorder. Also called: CREBBP-related condition; CREBBP-related disorders.

Submission:

PreventionGenetics, part of Exact Sciences
Classification: Uncertain significance for CREBBP-related condition. Last evaluated: 2024-09-24. Review status: no assertion criteria provided. Collection method: clinical testing. Allele origin: germline.
Comment: The CREBBP c.212C>G variant is predicted to result in the amino acid substitution p.Ser71Trp. To our knowledge, this variant has not been reported in the literature or in a large population database, indicating this variant is rare. At this time, the clinical significance of this variant is uncertain due to the absence of conclusive functional and genetic evidence.

NM_004380.3(CREBBP):c.212C>G (p.Ser71Trp)

Gene: CREBBP (CREB binding lysine acetyltransferase; minus strand). Cytogenetic location: 16p13.3.
Variant type: single nucleotide variant.
Coding change: c.212C>G on transcript NM_004380.3 (MANE Select); coding-DNA position 212, C replaced by G.
Protein change: p.Ser71Trp; replaces serine 71 with tryptophan.
Molecular consequence: missense variant.
Genome position (GRCh38, 1-based): chr16:3,850,883, G>C on the plus strand (C>G on the coding strand, the complement: CREBBP is on the minus strand). VCF-style: chr16-3850883-G-C. GRCh37 (hg19) VCF-style: chr16-3900884-G-C.
Other names: c.212C>G, p.Ser71Trp (NM_001079846.1); short protein forms S71W.
Identifiers: ClinVar variation 3347822 (VCV003347822.1).